The following is an entry in ClinVar:

NM_000059.4(BRCA2):c.8867A>C (p.Glu2956Ala)

Gene: BRCA2 (BRCA2 DNA repair associated; plus strand). Cytogenetic location: 13q13.1.
Variant type: single nucleotide variant.
Coding change: c.8867A>C on transcript NM_000059.4 (MANE Select); coding-DNA position 8867, A replaced by C.
Protein change: p.Glu2956Ala; replaces glutamic acid 2956 with alanine.
Molecular consequence: missense variant.
Genome position (GRCh38, 1-based): chr13:32,379,429, A>C. VCF-style: chr13-32379429-A-C. GRCh37 (hg19) VCF-style: chr13-32953566-A-C.
Other names: 9095A>C; short protein forms E2956A.
Identifiers: ClinVar variation 38189 (VCV000038189.39), dbSNP rs151174152, ClinGen allele CA025855.

ClinVar aggregate classification (germline): Conflicting classifications of pathogenicity. Review status: criteria provided, conflicting classifications (1 of 4 stars). 13 submissions from 13 submitters: Uncertain significance (7); Likely benign (3). 3 of the submissions do not count toward it. Last evaluated 2025-12-15.

Conditions:
BRCA2-related disorder. Also called: BRCA2-related condition; BRCA2-related disorders. Identifiers: MedGen CN239275.
Hereditary cancer-predisposing syndrome. Also called: Tumor predisposition; Neoplastic Syndromes, Hereditary; Hereditary neoplastic syndrome; Hereditary Cancer Syndrome. Identifiers: Orphanet 140162, MedGen C0027672, MeSH D009386, MONDO:0015356.
Hereditary breast ovarian cancer syndrome. Also called: Hereditary breast and ovarian cancer; Hereditary breast and ovarian cancer syndrome (HBOC); Hereditary breast and/or ovarian cancer syndrome; Breast and ovarian cancer; Hereditary breast and ovarian cancer syndrome; BRCA1- and BRCA2-Associated Hereditary Breast and Ovarian Cancer. Identifiers: Orphanet 145, MedGen C0677776, MeSH D061325, MONDO:0003582. Disease mechanism: loss of function.
Breast-ovarian cancer, familial, susceptibility to, 2 (BROVCA2). Also called: BRCA2 Hereditary Breast and Ovarian Cancer. Identifiers: Orphanet 145, MedGen C2675520, MONDO:0012933, OMIM 612555. Disease mechanism: loss of function.

Allele frequency attached by ClinVar (database versions not stated): ExAC 0.00001; gnomAD 0.00001; gnomAD exomes 0.00001 and 0.00002; TOPMed 0.00001; ESP Exome Variant Server 0.00008.
gnomAD v4.1: 26 of 1,613,700 alleles (0.0016%); highest among the groups gnomAD compares: African/African-American, 0.0053%; no homozygotes.

Submissions (13):

Labcorp Genetics (formerly Invitae), Labcorp
Classification: Likely benign for Hereditary breast ovarian cancer syndrome. Last evaluated: 2025-12-15. Review status: criteria provided, single submitter. Criteria: Invitae Variant Classification Sherloc (09022015). Collection method: clinical testing. Allele origin: germline.

Color Diagnostics, LLC DBA Color Health
Classification: Uncertain significance for Hereditary cancer-predisposing syndrome. Last evaluated: 2025-06-23. Review status: criteria provided, single submitter. Criteria: ACMG Guidelines, 2015. Collection method: clinical testing. Allele origin: germline.
Comment: This missense variant replaces glutamic acid with alanine at codon 2956 of the BRCA2 protein. Computational prediction suggests that this variant may not impact protein structure and function. To our knowledge, functional studies have not been reported for this variant. In a large breast cancer case-control study conducted by the BRIDGES consortium, this variant was reported in 2/60466 cases and 1/53461 controls, showing inconclusive association with disease (OR=1.768, 95%CI 0.16 to 19.50p-value=1) (PMID: 33471991Leiden Open Variation Database DB-ID BRCA2_007504). This variant has been identified in 3/282024 chromosomes in the general population by the Genome Aggregation Database (gnomAD). The available evidence is insufficient to determine the role of this variant in disease conclusively. Therefore, this variant is classified as a Variant of Uncertain Significance.

Molecular Pathology, Peter Maccallum Cancer Centre
Classification: Likely benign for Breast-ovarian cancer, familial, susceptibility to, 2. Last evaluated: 2025-05-15. Review status: criteria provided, single submitter. Criteria: ACMG Guidelines, 2015. Collection method: clinical testing. Allele origin: germline. Inheritance: Autosomal dominant inheritance.

GeneDx
Classification: Uncertain significance. Last evaluated: 2024-07-12. Review status: criteria provided, single submitter. Criteria: GeneDx Variant Classification Process June 2021. Collection method: clinical testing. Allele origin: germline. Affected: yes.
Comment: Not observed at significant frequency in large population cohorts (gnomAD); In silico analysis indicates that this missense variant does not alter protein structure/function; Observed in individuals with breast cancer as well as in unaffected controls (PMID: 33471991); Also known as 9095A>C; This variant is associated with the following publications: (PMID: 28508593, 29179779, 29884841, 32377563, 33471991, 12228710)

Quest Diagnostics Nichols Institute San Juan Capistrano
Classification: Uncertain significance. Last evaluated: 2024-01-04. Review status: criteria provided, single submitter. Criteria: Quest Diagnostics criteria. Collection method: clinical testing. Allele origin: unknown.
Comment: The BRCA2 c.8867A>C (p.Glu2956Ala) variant has been reported in the published literature in individuals with breast cancer as well as in a reportedly healthy individual (PMID: 33471991 (2021), see also LOVD). The frequency of this variant in the general population, 0.000011 (3/282024 chromosomes (Genome Aggregation Database)), is uninformative in the assessment of its pathogenicity. Analysis of this variant using bioinformatics tools for the prediction of the effect of amino acid changes on protein structure and function yielded conflicting predictions that this variant is benign or damaging. Based on the available information, we are unable to determine the clinical significance of this variant.

All of Us Research Program, National Institutes of Health
Classification: Uncertain significance for Breast-ovarian cancer, familial, susceptibility to, 2. Last evaluated: 2023-11-30. Review status: criteria provided, single submitter. Criteria: ACMG Guidelines, 2015. Collection method: clinical testing. Allele origin: germline. Inheritance: Autosomal dominant inheritance. Observed: 1 variant allele, 1 heterozygote.
Comment: This missense variant replaces glutamic acid with alanine at codon 2956 of the BRCA2 protein. Computational prediction suggests that this variant may not impact protein structure and function (internally defined REVEL score threshold <= 0.5, PMID: 27666373). To our knowledge, functional studies have not been reported for this variant. In a large breast cancer case-control study conducted by the BRIDGES consortium, this variant was reported in 2/60466 cases and 1/53461 controls, showing inconclusive association with disease (OR=1.768, 95%CI 0.16 to 19.50; p-value=1) (PMID: 33471991; Leiden Open Variation Database DB-ID BRCA2_007504). This variant has been identified in 3/282024 chromosomes in the general population by the Genome Aggregation Database (gnomAD). The available evidence is insufficient to determine the role of this variant in disease conclusively. Therefore, this variant is classified as a Variant of Uncertain Significance.

This study involves interpretation of variants in research participants for the purpose of population health screening. Participant phenotype was not available at the time of variant classification. Additional details can be found in publication PMID: 35346344, PMCID: PMC8962531

PreventionGenetics, part of Exact Sciences
Classification: Uncertain significance for BRCA2-related condition. Last evaluated: 2022-09-28. Review status: criteria provided, single submitter. Criteria: ACMG Guidelines, 2015. Collection method: clinical testing. Allele origin: germline.
Comment: The BRCA2 c.8867A>C variant is predicted to result in the amino acid substitution p.Glu2956Ala. To our knowledge, this variant has not been reported in the literature. This variant is reported in 0.0040% of alleles in individuals of African descent in gnomAD, and in the ClinVar database with conflicting interpretations of likely benign and uncertain. At this time, the clinical significance of this variant is uncertain due to the absence of conclusive functional and genetic evidence.

ARUP Laboratories, Molecular Genetics and Genomics, ARUP Laboratories
Classification: Uncertain significance. Last evaluated: 2021-08-28. Review status: criteria provided, single submitter. Criteria: ARUP Molecular Germline Variant Investigation Process 2021. Collection method: clinical testing. Allele origin: germline.
Comment: The BRCA2 c.8867A>C; p.Glu2956Ala variant (rs151174152), to our knowledge, is not reported in individuals in the medical literature but is reported in ClinVar (Variation ID: 38189). This variant is found on only three chromosomes (3/282024 alleles) in the Genome Aggregation Database. The glutamate at codon 2956 is highly conserved, but computational analyses are uncertain whether this variant is neutral or deleterious (REVEL: 0.215). Given the lack of clinical and functional data, the significance of the p.Glu2956Ala variant is uncertain at this time.

Women's Health and Genetics/Laboratory Corporation of America, LabCorp
Classification: Uncertain significance. Last evaluated: 2018-09-24. Review status: criteria provided, single submitter. Criteria: LabCorp Variant Classification Summary - May 2015. Collection method: clinical testing. Allele origin: germline.
Comment: Variant summary: BRCA2 c.8867A>C (p.Glu2956Ala) results in a non-conservative amino acid change in the encoded protein sequence. Four of five in-silico tools predict a damaging effect of the variant on protein function. The variant allele was found at a frequency of 7.2e-06 in 276410 control chromosomes (gnomAD). The available data on variant occurrences in the general population are insufficient to allow any conclusion about variant significance. To our knowledge, no occurrence of c.8867A>C in individuals affected with Hereditary Breast and Ovarian Cancer and no experimental evidence demonstrating its impact on protein function have been reported. Two ClinVar submissions from clinical diagnostic laboratories (evaluation after 2014) cites the variant as uncertain significance. Based on the evidence outlined above, the variant was classified as uncertain significance.

Ambry Genetics
Classification: Likely benign for Hereditary cancer-predisposing syndrome. Last evaluated: 2018-09-18. Review status: criteria provided, single submitter. Criteria: Ambry Variant Classification Scheme 2023. Collection method: clinical testing. Allele origin: germline.

Institute for Biomarker Research, Medical Diagnostic Laboratories, L.L.C.
Classification: Uncertain significance for Hereditary breast ovarian cancer syndrome. Last evaluated: 2021-12-17. Review status: no assertion criteria provided. Collection method: clinical testing. Allele origin: germline. Not counted in ClinVar's aggregate classification.

Counsyl
Classification: Uncertain significance for Breast-ovarian cancer, familial, susceptibility to, 2. Last evaluated: 2015-11-17. Review status: no assertion criteria provided. Collection method: clinical testing. Allele origin: unknown. Not counted in ClinVar's aggregate classification.

Sharing Clinical Reports Project (SCRP)
Classification: Likely benign for Breast-ovarian cancer, familial 2. Last evaluated: 2012-05-01. Review status: no assertion criteria provided. Collection method: clinical testing. Allele origin: germline. Not counted in ClinVar's aggregate classification.

Literature cited by the submitters: PubMed 33471991 (cited by 3 submitters); PubMed 28508593 (cited by Quest Diagnostics Nichols Institute San Juan Capistrano).